The following is an entry in ClinVar:

NM_000051.4(ATM):c.5460del (p.Lys1820fs)

Gene: ATM (ATM serine/threonine kinase; plus strand). Cytogenetic location: 11q22.3.
Variant type: Deletion.
Coding change: c.5460del on transcript NM_000051.4 (MANE Select); coding-DNA position 5460, one base deleted (A; older notation c.5460delA).
Protein change: p.Lys1820fs; shifts the reading frame from lysine 1820.
Molecular consequence: frameshift variant.
Genome position (GRCh38, 1-based): chr11:108,302,993, A deleted; the last of 4 consecutive A bases (chr11:108,302,990-108,302,993); deleting any one gives the same sequence. VCF-style (leftmost placement, unchanged base first): chr11-108302989-CA-C. GRCh37 (hg19) VCF-style: chr11-108173716-CA-C.
Other names: c.5460del, p.Lys1820fs (NM_001351834.2); short protein forms K1820fs.
Identifiers: ClinVar variation 2679716 (VCV002679716.2), dbSNP rs1057516760, ClinGen allele CA2695199007.
Genomic context (GRCh38, chr11:108,302,989, plus strand): 5'-GTGAAAATCATGACATTTGGATAAAGACACTGACTTGTGCTTTTTTGGACAGTGGAGGCA[CA>C]AAATGTGAAATTCTTCAATTATTAAAGCCAATGTGTGAAGTAAGAAGATTAATTAGTCTG-3'

ClinVar aggregate classification (germline): Pathogenic/Likely pathogenic. Review status: criteria provided, multiple submitters, no conflicts (2 of 4 stars). 2 submissions from 2 submitters: Pathogenic (1); Likely pathogenic (1). Last evaluated 2024-01-25.

Conditions:
Familial cancer of breast. Also called: hereditary breast carcinoma; BREAST CANCER, FAMILIAL; Hereditary breast cancer. Identifiers: Orphanet 227535, MedGen C0346153, MONDO:0016419, OMIM 114480. Disease mechanism: loss of function.

Submissions (2):

Myriad Genetics, Inc.
Classification: Pathogenic for Familial cancer of breast. Last evaluated: 2024-01-25. Review status: criteria provided, single submitter. Criteria: Myriad Autosomal Dominant, Autosomal Recessive and X-Linked Classification Criteria (2023). Collection method: clinical testing. Allele origin: unknown.
Comment: This variant is considered pathogenic. This variant creates a frameshift predicted to result in premature protein truncation.

Baylor Genetics
Classification: Likely pathogenic for Familial cancer of breast. Last evaluated: 2023-06-09. Review status: criteria provided, single submitter. Criteria: ACMG Guidelines, 2015. Collection method: clinical testing. Allele origin: unknown.